The following is an entry in ClinVar:

ClinVar aggregate classification (germline): Likely benign. Review status: criteria provided, multiple submitters, no conflicts (2 of 4 stars). 4 submissions from 4 submitters: Likely benign (2). 2 of the submissions do not count toward it. Last evaluated 2026-01-24.

Conditions:
RTEL1-related disorder. Also called: RTEL1-related disorders; RTEL1-related condition.
Pulmonary fibrosis and/or bone marrow failure, Telomere-related, 3. Also called: PULMONARY FIBROSIS AND/OR BONE MARROW FAILURE SYNDROME, TELOMERE-RELATED, 3. Identifiers: Orphanet 2032, MedGen C4225346, MONDO:0014613, OMIM 616373.
Dyskeratosis congenita, autosomal recessive 5 (DKCB5). Identifiers: MedGen C3554656, MONDO:0014076, OMIM 615190.
Dyskeratosis congenita. Identifiers: Orphanet 1775, MedGen C0265965, MONDO:0015780.

Allele frequency attached by ClinVar (database versions not stated): TOPMed 0.00005; gnomAD 0.00006 and 0.00011; 1000 Genomes Project 0.00020; gnomAD exomes 0.00022; ExAC 0.00026; 1000 Genomes Project 30x 0.00031.
gnomAD v4.1: 340 of 1,612,612 alleles (0.021%); highest among the groups gnomAD compares: South Asian, 0.15%; 2 homozygotes.

Submissions (4):

Labcorp Genetics (formerly Invitae), Labcorp
Classification: Likely benign for Dyskeratosis congenita, autosomal recessive 5; Pulmonary fibrosis and/or bone marrow failure, Telomere-related, 3. Last evaluated: 2026-01-24. Review status: criteria provided, single submitter. Criteria: Invitae Variant Classification Sherloc (09022015). Collection method: clinical testing. Allele origin: germline.

Blueprint Genetics
Classification: Likely benign. Last evaluated: 2024-10-31. Review status: criteria provided, single submitter. Criteria: ACMG Guidelines, 2015. Collection method: clinical testing. Allele origin: germline.

PreventionGenetics, part of Exact Sciences
Classification: Likely benign for RTEL1-related condition. Last evaluated: 2024-02-02. Review status: no assertion criteria provided. Collection method: clinical testing. Allele origin: germline. Not counted in ClinVar's aggregate classification.
Comment: This variant is classified as likely benign based on ACMG/AMP sequence variant interpretation guidelines (Richards et al. 2015 PMID: 25741868, with internal and published modifications).

Natera, Inc.
Classification: Likely benign for Dyskeratosis congenita. Last evaluated: 2020-09-16. Review status: no assertion criteria provided. Collection method: clinical testing. Allele origin: germline. Not counted in ClinVar's aggregate classification.

NM_001283009.2(RTEL1):c.3222G>A (p.Ala1074=)

Genes: RTEL1 (regulator of telomere elongation helicase 1; plus strand), RTEL1-TNFRSF6B (RTEL1-TNFRSF6B readthrough (NMD candidate); plus strand). Cytogenetic location: 20q13.33.
Variant type: single nucleotide variant.
Coding change: c.3222G>A on transcript NM_001283009.2 (MANE Select); coding-DNA position 3222, G replaced by A.
Protein change: p.Ala1074=; no amino-acid change (alanine 1074 retained).
Molecular consequence: synonymous variant. On other transcripts: non-coding transcript variant (1).
Genome position (GRCh38, 1-based): chr20:63,694,853, G>A. VCF-style: chr20-63694853-G-A. GRCh37 (hg19) VCF-style: chr20-62326206-G-A.
Other names: c.2553G>A, p.Ala851= (NM_001283010.1); c.3222G>A, p.Ala1074= (NM_016434.4); c.3294G>A, p.Ala1098= (NM_032957.5).
Identifiers: ClinVar variation 716708 (VCV000716708.15), dbSNP rs575430966, ClinGen allele CA9965915.